The following is an entry in ClinVar:

ClinVar aggregate classification (germline): Likely benign (1 of 4 stars; one submission).

gnomAD v4.1: 6 of 1,613,556 alleles (0.00037%); highest among the groups gnomAD compares: African/African-American, 0.008%; no homozygotes.

Submission:

Mayo Clinic Laboratories, Mayo Clinic
Classification: Likely benign. Last evaluated: 2025-08-03. Review status: criteria provided, single submitter. Criteria: ACMG Guidelines, 2015. Collection method: clinical testing. Allele origin: germline. Observed: 1 variant allele.
Comment: BP4, BP7, PM2_supporting

NM_000204.5(CFI):c.534C>T (p.Ser178=)

Gene: CFI (complement factor I; minus strand). Cytogenetic location: 4q25.
Variant type: single nucleotide variant.
Coding change: c.534C>T on transcript NM_000204.5 (MANE Select); coding-DNA position 534, C replaced by T.
Protein change: p.Ser178=; no amino-acid change (serine 178 retained).
Molecular consequence: synonymous variant. On other transcripts: 5 prime UTR variant (1), non-coding transcript variant (3).
Genome position (GRCh38, 1-based): chr4:109,761,641, G>A on the plus strand (C>T on the coding strand, the complement: CFI is on the minus strand). VCF-style: chr4-109761641-G-A. GRCh37 (hg19) VCF-style: chr4-110682797-G-A.
Other names: p.Ser178=; c.534C>T, p.Ser178= (NM_001318057.2, NM_001331035.2, NM_001375278.1 and 10 more transcripts); c.-76C>T (NM_001375284.1).
Identifiers: ClinVar variation 4684800 (VCV004684800.1).
Genomic context (GRCh38, chr4:109,761,641, plus strand): 5'-AAAAGTACATTCAGCCAAACTGGTCTCTAATCCTCGGCAATGCACATGTAGACATTCAGT[G>A]GAATTTATAGAGAGATCAGACAACTTAAACCTTCTTTGAGTATCAGCACCTCTGCAAATA-3'
Protein context (NP_000195.3, residues 168-188): RFKLSDLSIN[Ser178=]TECLHVHCRG